The following is an entry in ClinVar:

NM_016599.5(MYOZ2):c.293A>T (p.Glu98Val)

Gene: MYOZ2 (myozenin 2; plus strand). Cytogenetic location: 4q26.
Variant type: single nucleotide variant.
Coding change: c.293A>T on transcript NM_016599.5 (MANE Select); coding-DNA position 293, A replaced by T.
Protein change: p.Glu98Val; replaces glutamic acid 98 with valine.
Molecular consequence: missense variant.
Genome position (GRCh38, 1-based): chr4:119,158,068, A>T. VCF-style: chr4-119158068-A-T. GRCh37 (hg19) VCF-style: chr4-120079223-A-T.
Other names: short protein forms E98V.
Identifiers: ClinVar variation 3402006 (VCV003402006.2).

ClinVar aggregate classification (germline): Uncertain significance (1 of 4 stars; one submission).

Conditions:
Cardiovascular phenotype. Identifiers: MedGen CN230736.

gnomAD v4.1: 3 of 1,613,996 alleles (0.00019%); highest among the groups gnomAD compares: East Asian, 0.0067%; no homozygotes.

Submission:

Ambry Genetics
Classification: Uncertain significance for Cardiovascular phenotype. Last evaluated: 2025-05-24. Review status: criteria provided, single submitter. Criteria: Ambry Variant Classification Scheme 2023. Collection method: clinical testing. Allele origin: germline.
Comment: The p.E98V variant (also known as c.293A>T), located in coding exon 3 of the MYOZ2 gene, results from an A to T substitution at nucleotide position 293. The glutamic acid at codon 98 is replaced by valine, an amino acid with dissimilar properties. This amino acid position is conserved. In addition, this alteration is predicted to be tolerated by in silico analysis. Based on the available evidence, the clinical significance of this variant remains unclear.